The following is an entry in ClinVar:

NM_177438.3(DICER1):c.1616T>C (p.Leu539Ser)

Gene: DICER1 (dicer 1, ribonuclease III; minus strand). Cytogenetic location: 14q32.13.
Variant type: single nucleotide variant.
Coding change: c.1616T>C on transcript NM_177438.3 (MANE Select); coding-DNA position 1616, T replaced by C.
Protein change: p.Leu539Ser; replaces leucine 539 with serine.
Molecular consequence: missense variant. On other transcripts: non-coding transcript variant (6), intron variant (1).
Genome position (GRCh38, 1-based): chr14:95,116,589, A>G on the plus strand (T>C on the coding strand, the complement: DICER1 is on the minus strand). VCF-style: chr14-95116589-A-G. GRCh37 (hg19) VCF-style: chr14-95582926-A-G.
Other names: c.1334T>C, p.Leu445Ser (NM_001395686.1); c.1211T>C, p.Leu404Ser (NM_001395687.1, NM_001395689.1, NM_001395688.1 and 3 more transcripts); c.1049T>C, p.Leu350Ser (NM_001395691.1); c.1616T>C, p.Leu539Ser (NM_001395693.1, NM_001395692.1, NM_001195573.1 and 13 more transcripts); c.-59-9T>C (NM_001395697.1); short protein forms L404S, L445S, L350S, L539S.
Identifiers: ClinVar variation 1776500 (VCV001776500.2), dbSNP rs2140124809, ClinGen allele CA390884950.

ClinVar aggregate classification (germline): Uncertain significance (1 of 4 stars; one submission).

Conditions:
Hereditary cancer-predisposing syndrome. Also called: Neoplastic Syndromes, Hereditary; Tumor predisposition; Hereditary Cancer Syndrome; Hereditary neoplastic syndrome. Identifiers: Orphanet 140162, MedGen C0027672, MeSH D009386, MONDO:0015356.

Submission:

Ambry Genetics
Classification: Uncertain significance for Hereditary cancer-predisposing syndrome. Last evaluated: 2021-09-10. Review status: criteria provided, single submitter. Criteria: Ambry Variant Classification Scheme 2023. Collection method: clinical testing. Allele origin: germline.
Comment: The p.L539S variant (also known as c.1616T>C), located in coding exon 9 of the DICER1 gene, results from a T to C substitution at nucleotide position 1616. The leucine at codon 539 is replaced by serine, an amino acid with dissimilar properties. This amino acid position is highly conserved in available vertebrate species. In addition, the in silico prediction for this alteration is inconclusive. Since supporting evidence is limited at this time, the clinical significance of this alteration remains unclear.